The following is an entry in ClinVar:

NM_000492.4(CFTR):c.217del (p.Leu73fs)

Gene: CFTR (CF transmembrane conductance regulator; plus strand). Cytogenetic location: 7q31.2.
Variant type: Deletion.
Coding change: c.217del on transcript NM_000492.4 (MANE Select); coding-DNA position 217, one base deleted (C; older notation c.217delC).
Protein change: p.Leu73fs; shifts the reading frame from leucine 73.
Molecular consequence: frameshift variant.
Genome position (GRCh38, 1-based): chr7:117,509,086, C deleted; the last of 3 consecutive C bases (chr7:117,509,084-117,509,086); deleting any one gives the same sequence. VCF-style (leftmost placement, unchanged base first): chr7-117509083-GC-G. GRCh37 (hg19) VCF-style: chr7-117149137-GC-G.
Other names: c.217delC (NM_000492.3); short protein forms L73fs.
Identifiers: ClinVar variation 53449 (VCV000053449.10), dbSNP rs397508348, ClinGen allele CA326764.
Genomic context (GRCh38, chr7:117,509,083, plus strand): 5'-TTCTTTTGCAGAGAATGGGATAGAGAGCTGGCTTCAAAGAAAAATCCTAAACTCATTAAT[GC>G]CCTTCGGCGATGTTTTTTCTGGAGATTTATGTTCTATGGAATCTTTTTATATTTAGGGGT-3'

ClinVar aggregate classification (germline): Pathogenic/Likely pathogenic. Review status: criteria provided, multiple submitters, no conflicts (2 of 4 stars). 4 submissions from 4 submitters: Pathogenic (1); Likely pathogenic (3). Last evaluated 2025-08-05.

Conditions:
CFTR-related disorder (CFTR-RD). Also called: CFTR-related disorders; CFTR-related condition. Identifiers: MedGen C5924204, MONDO:7770004.
Bronchiectasis with or without elevated sweat chloride 1 (BESC1). Also called: Cystic Fibrosis-Like Syndrome. Identifiers: Orphanet 60033, MedGen C2749757, MONDO:0008887, OMIM 211400.
Hereditary pancreatitis (PCTT). Also called: PRSS1-Related Hereditary Pancreatitis; Hereditary chronic pancreatitis. Identifiers: Orphanet 676, MedGen C0238339, MONDO:0008185, OMIM 167800.
Cystic fibrosis (CF). Also called: MUCOVISCIDOSIS. Identifiers: Orphanet 586, MedGen C0010674, MONDO:0009061, OMIM 219700. Disease mechanism: loss of function.
Congenital bilateral aplasia of vas deferens from CFTR mutation (CBAVD). Identifiers: Orphanet 48, MedGen C0403814, MONDO:0010178, OMIM 277180. Disease mechanism: loss of function.

Submissions (4):

Natera, Inc.
Classification: Likely pathogenic for CFTR-related disorders. Last evaluated: 2025-08-05. Review status: criteria provided, single submitter. Criteria: Natera Variant Classification Schema (03/2026). Collection method: clinical testing. Allele origin: germline.
Comment: The c.217delC variant in CFTR is a frameshift variant predicted to shift the reading frame beginning at codon 73 and leads to a stop codon 18 codons downstream. This variant is expected to result in nonsense mediated decay, truncation, or a dysfunctional protein product. This variant is rare in the general population with a frequency below the threshold expected for the associated phenotype(s). Given the available evidence, this variant is classified as Likely Pathogenic.

Fulgent Genetics
Classification: Likely pathogenic for Hereditary pancreatitis; Bronchiectasis with or without elevated sweat chloride 1; Cystic fibrosis; Congenital bilateral aplasia of vas deferens from CFTR mutation. Last evaluated: 2024-02-04. Review status: criteria provided, single submitter. Criteria: ACMG Guidelines, 2015. Collection method: clinical testing. Allele origin: germline.

Women's Health and Genetics/Laboratory Corporation of America, LabCorp
Classification: Likely pathogenic for Cystic fibrosis. Last evaluated: 2021-01-20. Review status: criteria provided, single submitter. Criteria: LabCorp Variant Classification Summary - May 2015. Collection method: clinical testing. Allele origin: germline.
Comment: Variant summary: CFTR c.217delC (p.Leu73PhefsX18) results in a premature termination codon, predicted to cause a truncation of the encoded protein or absence of the protein due to nonsense mediated decay, which are commonly known mechanisms for disease. The variant was absent in 250978 control chromosomes (gnomAD). c.217delC has been reported in the literature (Clausters_2000) and in Sickkids database in an individual (compound heterozygous) affected with Cystic Fibrosis. To our knowledge, no experimental evidence demonstrating an impact on protein function has been reported. One ClinVar submitter (evaluation after 2014) cite the variant as pathogenic. Based on the evidence outlined above, the variant was classified as likely pathogenic.

Labcorp Genetics (formerly Invitae), Labcorp
Classification: Pathogenic for Cystic fibrosis. Last evaluated: 2019-04-18. Review status: criteria provided, single submitter. Criteria: Invitae Variant Classification Sherloc (09022015). Collection method: clinical testing. Allele origin: germline.
Comment: For these reasons, this variant has been classified as Pathogenic. Loss-of-function variants in CFTR are known to be pathogenic (PMID: 1695717, 7691345, 9725922). This sequence change creates a premature translational stop signal (p.Leu73Phefs*18) in the CFTR gene. It is expected to result in an absent or disrupted protein product. This variant is not present in population databases (ExAC no frequency). This variant has not been reported in the literature in individuals with CFTR-related conditions.

Literature cited by the submitters: PubMed 10923036 (cited by Women's Health and Genetics/Laboratory Corporation of America, LabCorp); PubMed 1695717 (cited by Labcorp Genetics (formerly Invitae), Labcorp); PubMed 7691345 (cited by Labcorp Genetics (formerly Invitae), Labcorp); PubMed 9725922 (cited by Labcorp Genetics (formerly Invitae), Labcorp).